The following is an entry in ClinVar:

NM_152564.5(VPS13B):c.4104T>C (p.Tyr1368=)

Gene: VPS13B (vacuolar protein sorting 13 homolog B; plus strand). Cytogenetic location: 8q22.2.
Variant type: single nucleotide variant.
Coding change: c.4104T>C on transcript NM_152564.5 (MANE Select); coding-DNA position 4104, T replaced by C.
Protein change: p.Tyr1368=; no amino-acid change (tyrosine 1368 retained).
Molecular consequence: synonymous variant.
Genome position (GRCh38, 1-based): chr8:99,502,897, T>C. VCF-style: chr8-99502897-T-C. GRCh37 (hg19) VCF-style: chr8-100515125-T-C.
Other names: c.4104T>C, p.Tyr1368= (NM_017890.5).
Identifiers: ClinVar variation 4983590 (VCV004983590.1).
Genomic context (GRCh38, chr8:99,502,897, plus strand): 5'-GGTTTGTATGGTCAGTGAACTAGAAGATCTCAGTGCTTCCATAGATGTCCAGGATGTATA[T>C]ACCAAAGTGAAATGTAAAATAGAGAGTTTCAATATTGATCACTATAGAAGCAGGTAAATA-3'
Protein context (NP_689777.3, residues 1358-1378): LSASIDVQDV[Tyr1368=]TKVKCKIESF

ClinVar aggregate classification (germline): Likely benign (1 of 4 stars; one submission).

Conditions:
VPS13B-related disorder. Also called: VPS13B-related condition.

Submission:

PreventionGenetics, part of Exact Sciences
Classification: Likely benign for VPS13B-related condition. Last evaluated: 2026-02-17. Review status: criteria provided, single submitter. Criteria: ACMG Guidelines, 2015. Collection method: clinical testing. Allele origin: germline.
Comment: This variant is classified as likely benign based on ACMG/AMP sequence variant interpretation guidelines (Richards et al. 2015 PMID: 25741868, with internal and published modifications).